The following is an entry in ClinVar:

ClinVar aggregate classification (germline): Conflicting classifications of pathogenicity. Review status: criteria provided, conflicting classifications (1 of 4 stars). 7 submissions from 7 submitters: Uncertain significance (1); Benign (1); Likely benign (3). 2 of the submissions do not count toward it. Last evaluated 2026-01-29.

Conditions:
CUBN-related disorder. Also called: CUBN-related condition.
Imerslund-Grasbeck syndrome type 1 (IGS1). Also called: Megaloblastic anemia 1, Finnish type; MEGALOBLASTIC ANEMIA, 1; Imerslund-Gräsbeck syndrome 1. Identifiers: MedGen C4016819, MONDO:0100156, OMIM 261100.
Imerslund-Grasbeck syndrome. Also called: Imerslund-Gräsbeck syndrome; PERNICIOUS ANEMIA, JUVENILE, DUE TO SELECTIVE INTESTINAL MALABSORPTION OF VITAMIN B12, WITH PROTEINURIA; Megaloblastic anemia due to inborn errors of metabolism; ENTEROCYTE COBALAMIN MALABSORPTION; ENTEROCYTE INTRINSIC FACTOR RECEPTOR, DEFECT OF. Identifiers: Orphanet 35858, MedGen C4551825, MONDO:0009853.

Allele frequency attached by ClinVar (database versions not stated): gnomAD 0.00086; ExAC 0.00113; gnomAD exomes 0.00120; TOPMed 0.00120; 1000 Genomes Project 30x 0.00203; 1000 Genomes Project 0.00260.
gnomAD v4.1: 762 of 1,613,690 alleles (0.047%); highest among the groups gnomAD compares: East Asian, 1.6%; 1 homozygote.

Submissions (7):

Labcorp Genetics (formerly Invitae), Labcorp
Classification: Benign for Imerslund-Grasbeck syndrome. Last evaluated: 2026-01-29. Review status: criteria provided, single submitter. Criteria: Invitae Variant Classification Sherloc (09022015). Collection method: clinical testing. Allele origin: germline.

CeGaT Center for Human Genetics Tuebingen
Classification: Likely benign. Last evaluated: 2025-10-01. Review status: criteria provided, single submitter. Criteria: CeGaT Center For Human Genetics Tuebingen Variant Classification Criteria Version 2. Collection method: clinical testing. Allele origin: germline. Affected: yes. Observed: 1 variant allele.
Comment: CUBN: BP4

Blueprint Genetics
Classification: Likely benign. Last evaluated: 2024-11-08. Review status: criteria provided, single submitter. Criteria: ACMG Guidelines, 2015. Collection method: clinical testing. Allele origin: germline.

Illumina Laboratory Services, Illumina
Classification: Likely benign for Imerslund-Grasbeck syndrome type 1. Last evaluated: 2017-04-27. Review status: criteria provided, single submitter. Criteria: ICSL Variant Classification Criteria 13 December 2019. Collection method: clinical testing. Allele origin: germline.
Comment: This variant was observed as part of a predisposition screen in an ostensibly healthy population. A literature search was performed for the gene, cDNA change, and amino acid change (where applicable). Publications were found based on this search. The evidence from the literature, in combination with allele frequency data from public databases where available, was sufficient to determine this variant is unlikely to cause disease. Therefore, this variant is classified as likely benign.

Soonchunhyang University Bucheon Hospital, Soonchunhyang University Medical Center
Classification: Uncertain significance for Imerslund-Grasbeck syndrome type 1. Last evaluated: 2016-03-18. Review status: criteria provided, single submitter. Criteria: ACMG Guidelines, 2015. Collection method: reference population. Allele origin: germline. Observed: 6 variant alleles.

PreventionGenetics, part of Exact Sciences
Classification: Likely benign for CUBN-related condition. Last evaluated: 2019-04-01. Review status: no assertion criteria provided. Collection method: clinical testing. Allele origin: germline. Not counted in ClinVar's aggregate classification.
Comment: This variant is classified as likely benign based on ACMG/AMP sequence variant interpretation guidelines (Richards et al. 2015 PMID: 25741868, with internal and published modifications).

SingHealth Duke-NUS Institute of Precision Medicine
Classification: Uncertain significance for Imerslund-Grasbeck syndrome type 1. Last evaluated: 2017-06-07. Review status: no assertion criteria provided. Collection method: curation. Allele origin: germline. Affected: no. Not counted in ClinVar's aggregate classification.

Literature cited by the submitters: PubMed 15024727 (cited by Illumina Laboratory Services, Illumina); PubMed 22495309 (cited by Illumina Laboratory Services, Illumina); PubMed 25525159 (cited by Illumina Laboratory Services, Illumina); PubMed 22929189 (cited by Illumina Laboratory Services, Illumina and Soonchunhyang University Bucheon Hospital, Soonchunhyang University Medical Center).

NM_001081.4(CUBN):c.1951C>G (p.Arg651Gly)

Gene: CUBN (cubilin; minus strand). Cytogenetic location: 10p13.
Variant type: single nucleotide variant.
Coding change: c.1951C>G on transcript NM_001081.4 (MANE Select); coding-DNA position 1951, C replaced by G.
Protein change: p.Arg651Gly; replaces arginine 651 with glycine.
Molecular consequence: missense variant.
Genome position (GRCh38, 1-based): chr10:17,085,756, G>C on the plus strand (C>G on the coding strand, the complement: CUBN is on the minus strand). VCF-style: chr10-17085756-G-C. GRCh37 (hg19) VCF-style: chr10-17127755-G-C.
Other names: short protein forms R651G.
Identifiers: ClinVar variation 225332 (VCV000225332.23), dbSNP rs182512508, ClinGen allele CA5425139.
Genomic context (GRCh38, chr10:17,085,756, plus strand): 5'-GGACAGAGAAAGTGGTGCAGAACTTCCCAAGAAGGGGGTCCTGATACAAAGGACCATCTC[G>C]AATCTAAAACAAAAGGATGAATCATTAAGCTCAAAGTGGTCAGATTTTTAACAAACTAGG-3'
Protein context (NP_001072.2, residues 641-661): DDCNKDYLEI[Arg651Gly]DGPLYQDPLL